The following is an entry in ClinVar:

NM_017617.5(NOTCH1):c.5168-7C>T

Gene: NOTCH1 (notch receptor 1; minus strand). Cytogenetic location: 9q34.3.
Variant type: single nucleotide variant.
Coding change: c.5168-7C>T on transcript NM_017617.5 (MANE Select); 7 bases into the intron before coding-DNA position 5168, C replaced by T.
Molecular consequence: intron variant.
Genome position (GRCh38, 1-based): chr9:136,502,495, G>A on the plus strand (C>T on the coding strand, the complement: NOTCH1 is on the minus strand). VCF-style: chr9-136502495-G-A. GRCh37 (hg19) VCF-style: chr9-139396947-G-A.
Identifiers: ClinVar variation 668537 (VCV000668537.9), dbSNP rs1589056781, ClinGen allele CA915947334.

ClinVar aggregate classification (germline): Likely benign. Review status: criteria provided, multiple submitters, no conflicts (2 of 4 stars). 4 submissions from 3 submitters: Likely benign (4). Last evaluated 2022-03-15.

Conditions:
Adams-Oliver syndrome 5 (AOS5). Identifiers: Orphanet 974, MedGen C4014970, MONDO:0014459, OMIM 616028.
Aortic valve disease 1 (AOVD1). Identifiers: MedGen C3887892, MONDO:0024523, OMIM 109730.

Submissions (4):

Genome-Nilou Lab
Classification: Likely benign for Adams-Oliver syndrome 5. Last evaluated: 2022-03-15. Review status: criteria provided, single submitter. Criteria: ACMG Guidelines, 2015. Collection method: clinical testing. Allele origin: germline. Affected: no.

Genome-Nilou Lab
Classification: Likely benign for Aortic valve disease 1. Last evaluated: 2022-03-15. Review status: criteria provided, single submitter. Criteria: ACMG Guidelines, 2015. Collection method: clinical testing. Allele origin: germline. Affected: no.

Labcorp Genetics (formerly Invitae), Labcorp
Classification: Likely benign for Adams-Oliver syndrome 5. Last evaluated: 2021-03-24. Review status: criteria provided, single submitter. Criteria: Invitae Variant Classification Sherloc (09022015). Collection method: clinical testing. Allele origin: germline.

GeneDx
Classification: Likely benign. Last evaluated: 2018-05-24. Review status: criteria provided, single submitter. Criteria: GeneDx Variant Classification (06012015). Collection method: clinical testing. Allele origin: germline. Affected: yes.
Comment: This variant is considered likely benign or benign based on one or more of the following criteria: it is a conservative change, it occurs at a poorly conserved position in the protein, it is predicted to be benign by multiple in silico algorithms, and/or has population frequency not consistent with disease.